The following is an entry in ClinVar:

ClinVar aggregate classification (germline): Uncertain significance (1 of 4 stars; one submission).

gnomAD v4.1: 18 of 1,613,990 alleles (0.0011%); highest among the groups gnomAD compares: East Asian, 0.038%; no homozygotes.

Submission:

GeneDx
Classification: Uncertain significance. Last evaluated: 2026-04-17. Review status: criteria provided, single submitter. Criteria: GeneDx Variant Classification Process June 2021. Collection method: clinical testing. Allele origin: germline.
Comment: Identified in a patient with Charcot-Marie-Tooth disease in the published literature; however, additional clinical and segregation information was not provided (PMID: 35482004); In silico analysis supports that this missense variant has a deleterious effect on protein structure/function; This variant is associated with the following publications: (PMID: 35482004)

NM_018082.6(POLR3B):c.1316T>G (p.Val439Gly)

Gene: POLR3B (RNA polymerase III subunit B; plus strand). Cytogenetic location: 12q23.3.
Variant type: single nucleotide variant.
Coding change: c.1316T>G on transcript NM_018082.6 (MANE Select); coding-DNA position 1316, T replaced by G.
Protein change: p.Val439Gly; replaces valine 439 with glycine.
Molecular consequence: missense variant.
Genome position (GRCh38, 1-based): chr12:106,430,325, T>G. VCF-style: chr12-106430325-T-G. GRCh37 (hg19) VCF-style: chr12-106824103-T-G.
Other names: c.1142T>G, p.Val381Gly (NM_001160708.2); short protein forms V381G, V439G.
Identifiers: ClinVar variation 5036886 (VCV005036886.1).
Genomic context (GRCh38, chr12:106,430,325, plus strand): 5'-CCCTACAGGGAAATTGGTCTTTAAAGAGATTTAAAATGGACCGCCAGGGTGTAACCCAAG[T>G]GCTGTCTCGCTTGTCATATATATCCGCACTGGGCATGATGACAAGAATCTCTTCCCAGTT-3'
Protein context (NP_060552.4, residues 429-449): FKMDRQGVTQ[Val439Gly]LSRLSYISAL